The following is an entry in ClinVar:

ClinVar aggregate classification (germline): Uncertain significance (1 of 4 stars; one submission).

Submission:

CeGaT Center for Human Genetics Tuebingen
Classification: Uncertain significance. Last evaluated: 2023-08-01. Review status: criteria provided, single submitter. Criteria: CeGaT Center For Human Genetics Tuebingen Variant Classification Criteria Version 2. Collection method: clinical testing. Allele origin: germline. Affected: yes. Observed: 1 variant allele.
Comment: MTM1: PM2, BP4

NM_000252.3(MTM1):c.231+2771A>G

Gene: MTM1 (myotubularin 1; plus strand). Cytogenetic location: Xq28.
Variant type: single nucleotide variant.
Coding change: c.231+2771A>G on transcript NM_000252.3 (MANE Select); 2771 bases into the intron after coding-DNA position 231, A replaced by G.
Molecular consequence: intron variant.
Genome position (GRCh38, 1-based): chrX:150,601,457, A>G. VCF-style: chrX-150601457-A-G. GRCh37 (hg19) VCF-style: chrX-149769921-A-G.
Other names: c.231+2771A>G (NM_001376908.1, NM_001376906.1, NM_001376907.1).
Identifiers: ClinVar variation 2661634 (VCV002661634.24), dbSNP rs2522150607, ClinGen allele CA2695197188.